The following is an entry in ClinVar:

ClinVar aggregate classification (germline): Uncertain significance. Review status: criteria provided, multiple submitters, no conflicts (2 of 4 stars). 2 submissions from 2 submitters: Uncertain significance (2). Last evaluated 2024-05-22.

Conditions:
Hereditary cancer-predisposing syndrome. Also called: Tumor predisposition; Hereditary neoplastic syndrome; Neoplastic Syndromes, Hereditary; Hereditary Cancer Syndrome. Identifiers: Orphanet 140162, MedGen C0027672, MeSH D009386, MONDO:0015356.
Ataxia-telangiectasia syndrome (AT). Also called: ATAXIA-TELANGIECTASIA, COMPLEMENTATION GROUP A; ATAXIA-TELANGIECTASIA, FRESNO VARIANT; Ataxia-telangiectasia; LOUIS-BAR SYNDROME; Cerebello-oculocutaneous telangiectasia; Immunodeficiency with ataxia telangiectasia. Identifiers: Orphanet 100, MedGen C0004135, MONDO:0008840, OMIM 208900.

Submissions (2):

Labcorp Genetics (formerly Invitae), Labcorp
Classification: Uncertain significance for Ataxia-telangiectasia syndrome. Last evaluated: 2024-05-22. Review status: criteria provided, single submitter. Criteria: Invitae Variant Classification Sherloc (09022015). Collection method: clinical testing. Allele origin: germline.
Comment: This sequence change replaces glutamine, which is neutral and polar, with arginine, which is basic and polar, at codon 1709 of the ATM protein (p.Gln1709Arg). This variant is not present in population databases (gnomAD no frequency). This variant has not been reported in the literature in individuals affected with ATM-related conditions. ClinVar contains an entry for this variant (Variation ID: 135760). An algorithm developed to predict the effect of missense changes on protein structure and function (PolyPhen-2) suggests that this variant is likely to be tolerated. In summary, the available evidence is currently insufficient to determine the role of this variant in disease. Therefore, it has been classified as a Variant of Uncertain Significance.

Ambry Genetics
Classification: Uncertain significance for Hereditary cancer-predisposing syndrome. Last evaluated: 2019-12-13. Review status: criteria provided, single submitter. Criteria: Ambry Variant Classification Scheme 2023. Collection method: clinical testing. Allele origin: germline.
Comment: The p.Q1709R variant (also known as c.5126A>G), located in coding exon 33 of the ATM gene, results from an A to G substitution at nucleotide position 5126. The glutamine at codon 1709 is replaced by arginine, an amino acid with highly similar properties. This amino acid position is well conserved in available vertebrate species. In addition, this alteration is predicted to be tolerated by in silico analysis. Since supporting evidence is limited at this time, the clinical significance of this alteration remains unclear.

NM_000051.4(ATM):c.5126A>G (p.Gln1709Arg)

Gene: ATM (ATM serine/threonine kinase; plus strand). Cytogenetic location: 11q22.3.
Variant type: single nucleotide variant.
Coding change: c.5126A>G on transcript NM_000051.4 (MANE Select); coding-DNA position 5126, A replaced by G.
Protein change: p.Gln1709Arg; replaces glutamine 1709 with arginine.
Molecular consequence: missense variant.
Genome position (GRCh38, 1-based): chr11:108,299,834, A>G. VCF-style: chr11-108299834-A-G. GRCh37 (hg19) VCF-style: chr11-108170561-A-G.
Other names: c.5126A>G, p.Gln1709Arg (NM_001351834.2); short protein forms Q1709R.
Identifiers: ClinVar variation 135760 (VCV000135760.7), dbSNP rs587780627, ClinGen allele CA332339.